The following is an entry in ClinVar:

NM_001376.5(DYNC1H1):c.7931C>T (p.Thr2644Ile)

Gene: DYNC1H1 (dynein cytoplasmic 1 heavy chain 1; plus strand). Cytogenetic location: 14q32.31.
Variant type: single nucleotide variant.
Coding change: c.7931C>T on transcript NM_001376.5 (MANE Select); coding-DNA position 7931, C replaced by T.
Protein change: p.Thr2644Ile; replaces threonine 2644 with isoleucine.
Molecular consequence: missense variant.
Genome position (GRCh38, 1-based): chr14:102,017,170, C>T. VCF-style: chr14-102017170-C-T. GRCh37 (hg19) VCF-style: chr14-102483507-C-T.
Other names: short protein forms T2644I.
Identifiers: ClinVar variation 694848 (VCV000694848.3), dbSNP rs1595617838, ClinGen allele CA391003665.

ClinVar aggregate classification (germline): Uncertain significance. Review status: criteria provided, single submitter (1 of 4 stars). 2 submissions from 2 submitters: Uncertain significance (1). 1 of the submissions does not count toward it. Last evaluated 2024-03-26.

Conditions:
Charcot-Marie-Tooth disease, type I (CMT1). Also called: Charcot-Marie-Tooth, Type 1; Charcot-Marie-Tooth disease type 1. Identifiers: Orphanet 65753, MedGen C0751036, MONDO:0019011.
Autosomal dominant childhood-onset proximal spinal muscular atrophy without contractures. Also called: SPINAL MUSCULAR ATROPHY, JUVENILE, PROXIMAL, AUTOSOMAL DOMINANT; KUGELBERG-WELANDER SYNDROME, AUTOSOMAL DOMINANT; Spinal muscular atrophy, lower extremity-predominant 1, AD; SPINAL MUSCULAR ATROPHY, CHILDHOOD, PROXIMAL, AUTOSOMAL DOMINANT. Identifiers: Orphanet 209341, Orphanet 363447, MedGen C5780022, MONDO:0008026, OMIM 158600.

Allele frequency attached by ClinVar (database versions not stated): gnomAD exomes below 0.00001.
gnomAD v4.1: 2 of 1,614,236 alleles (0.00012%); highest among the groups gnomAD compares: Non-Finnish European, 0.00017%; no homozygotes.

Submissions (2):

3billion
Classification: Uncertain significance for Autosomal dominant childhood-onset proximal spinal muscular atrophy without contractures. Last evaluated: 2024-03-26. Review status: criteria provided, single submitter. Criteria: ACMG Guidelines, 2015. Collection method: clinical testing. Allele origin: germline. Affected: yes.
Comment: The variant is observed at an extremely low frequency in the gnomAD v4.0.0 dataset (total allele frequency: <0.001%). Predicted Consequence/Location: Missense changes are a common disease-causing mechanism. Damaging effect on gene or gene product predicted by in silico programs is uncertain [REVEL: 0.53 (damaging >=0.6, benign <0.4), 3Cnet: 0.55 (damaging >=0.6, benign <0.15)]. Therefore, this variant is classified as VUS according to the recommendation of ACMG/AMP guideline.

Genesis Genome Database
Classification: Uncertain significance for Charcot-Marie-Tooth disease, type I. Last evaluated: 2019-08-14. Review status: no assertion criteria provided. Collection method: research. Allele origin: germline. Affected: yes. Not counted in ClinVar's aggregate classification.